The following is an entry in ClinVar:

NM_000264.5(PTCH1):c.1768C>T (p.Leu590Phe)

Genes: PTCH1 (patched 1; minus strand), LOC100507346 (uncharacterized LOC100507346; plus strand). Cytogenetic location: 9q22.32.
Variant type: single nucleotide variant.
Coding change: c.1768C>T on transcript NM_000264.5 (MANE Select); coding-DNA position 1768, C replaced by T.
Protein change: p.Leu590Phe; replaces leucine 590 with phenylalanine.
Molecular consequence: missense variant. On other transcripts: non-coding transcript variant (2).
Genome position (GRCh38, 1-based): chr9:95,469,892, G>A on the plus strand (C>T on the coding strand, the complement: PTCH1 is on the minus strand). VCF-style: chr9-95469892-G-A. GRCh37 (hg19) VCF-style: chr9-98232174-G-A.
Other names: c.1768C>T (NM_000264.3); c.1570C>T, p.Leu524Phe (NM_001083602.3); c.1765C>T, p.Leu589Phe (NM_001083603.3); c.1315C>T, p.Leu439Phe (NM_001083604.3, NM_001083605.3, NM_001083606.3 and 1 more transcripts); c.1612C>T, p.Leu538Phe (NM_001354918.2); short protein forms L589F, L538F, L590F, L524F, L439F.
Identifiers: ClinVar variation 1374791 (VCV001374791.7), dbSNP rs2118095021, ClinGen allele CA374116393.

ClinVar aggregate classification (germline): Uncertain significance. Review status: criteria provided, multiple submitters, no conflicts (2 of 4 stars). 2 submissions from 2 submitters: Uncertain significance (2). Last evaluated 2025-02-18.

Conditions:
Gorlin syndrome. Also called: Basal cell nevus syndrome; Nevoid Basal Cell Carcinoma Syndrome. Identifiers: Orphanet 377, MedGen C0004779, MONDO:0007187.
Hereditary cancer-predisposing syndrome. Also called: Hereditary neoplastic syndrome; Hereditary Cancer Syndrome; Neoplastic Syndromes, Hereditary; Tumor predisposition. Identifiers: Orphanet 140162, MedGen C0027672, MeSH D009386, MONDO:0015356.

Allele frequency attached by ClinVar (database versions not stated): gnomAD exomes below 0.00001.
gnomAD v4.1: 3 of 1,614,150 alleles (0.00019%); highest among the groups gnomAD compares: African/African-American, 0.0013%; no homozygotes.

Submissions (2):

Labcorp Genetics (formerly Invitae), Labcorp
Classification: Uncertain significance for Gorlin syndrome. Last evaluated: 2025-02-18. Review status: criteria provided, single submitter. Criteria: Invitae Variant Classification Sherloc (09022015). Collection method: clinical testing. Allele origin: germline.
Comment: This sequence change replaces leucine, which is neutral and non-polar, with phenylalanine, which is neutral and non-polar, at codon 590 of the PTCH1 protein (p.Leu590Phe). This variant is not present in population databases (gnomAD no frequency). This variant has not been reported in the literature in individuals affected with PTCH1-related conditions. ClinVar contains an entry for this variant (Variation ID: 1374791). Invitae Evidence Modeling of protein sequence and biophysical properties (such as structural, functional, and spatial information, amino acid conservation, physicochemical variation, residue mobility, and thermodynamic stability) indicates that this missense variant is not expected to disrupt PTCH1 protein function with a negative predictive value of 95%. In summary, the available evidence is currently insufficient to determine the role of this variant in disease. Therefore, it has been classified as a Variant of Uncertain Significance.

Ambry Genetics
Classification: Uncertain significance for Hereditary cancer-predisposing syndrome. Last evaluated: 2023-10-15. Review status: criteria provided, single submitter. Criteria: Ambry Variant Classification Scheme 2023. Collection method: clinical testing. Allele origin: germline.
Comment: The p.L590F variant (also known as c.1768C>T), located in coding exon 13 of the PTCH1 gene, results from a C to T substitution at nucleotide position 1768. The leucine at codon 590 is replaced by phenylalanine, an amino acid with highly similar properties. This amino acid position is conserved. In addition, this alteration is predicted to be deleterious by in silico analysis. Since supporting evidence is limited at this time, the clinical significance of this alteration remains unclear.